The following is an entry in ClinVar:

ClinVar aggregate classification (germline): Uncertain significance. Review status: criteria provided, multiple submitters, no conflicts (2 of 4 stars). 5 submissions from 5 submitters: Uncertain significance (5). Last evaluated 2026-09-01.

Conditions:
Hereditary cancer-predisposing syndrome. Also called: Hereditary Cancer Syndrome; Neoplastic Syndromes, Hereditary; Tumor predisposition; Hereditary neoplastic syndrome. Identifiers: Orphanet 140162, MedGen C0027672, MeSH D009386, MONDO:0015356.
Tuberous sclerosis syndrome (TSC). Also called: Tuberous Sclerosis Complex; Tuberous sclerosis. Identifiers: Orphanet 805, MedGen C0041341, MONDO:0001734.
Tuberous sclerosis 2 (TSC2). Identifiers: Orphanet 805, MedGen C1860707, MONDO:0013199, OMIM 613254.

Submissions (5):

CeGaT Center for Human Genetics Tuebingen
Classification: Uncertain significance. Last evaluated: 2026-09-01. Review status: criteria provided, single submitter. Criteria: CeGaT Center For Human Genetics Tuebingen Variant Classification Criteria Version 2. Collection method: clinical testing. Allele origin: germline. Affected: yes. Observed: 2 variant alleles.
Comment: TSC2: PM2, PVS1:Moderate, BS2

Labcorp Genetics (formerly Invitae), Labcorp
Classification: Uncertain significance for Tuberous sclerosis 2. Last evaluated: 2025-12-03. Review status: criteria provided, single submitter. Criteria: Invitae Variant Classification Sherloc (09022015). Collection method: clinical testing. Allele origin: germline.
Comment: This variant results in the deletion of part of exon 42 (c.5260-10_5278del) of the TSC2 gene. RNA analysis indicates that this variant induces altered splicing and likely disrupts the C-terminus of the protein. This variant is present in population databases (rs756272343, gnomAD 0.01%). This variant has not been reported in the literature in individuals affected with TSC2-related conditions. ClinVar contains an entry for this variant (Variation ID: 535945). Variants that disrupt the consensus splice site are a relatively common cause of aberrant splicing (PMID: 17576681, 9536098). Studies have shown that this variant results in partial deletion of exon 42 and introduces a new termination codon (internal data). However the mRNA is not expected to undergo nonsense-mediated decay. In summary, the available evidence is currently insufficient to determine the role of this variant in disease. Therefore, it has been classified as a Variant of Uncertain Significance.

Ambry Genetics
Classification: Uncertain significance for Hereditary cancer-predisposing syndrome. Last evaluated: 2025-10-01. Review status: criteria provided, single submitter. Criteria: Ambry Variant Classification Scheme 2023. Collection method: clinical testing. Allele origin: germline.
Comment: The c.5260-10_5278del29 variant results from a deletion of 29 nucleotides between positions 5260-10 and 5278 and involves the canonical splice acceptor site before coding exon 41 of the TSC2 gene. The canonical splice acceptor site is highly conserved in available vertebrate species. In silico splice site analysis predicts that this alteration will weaken the native splice acceptor site and may result in the creation or strengthening of a novel splice acceptor site; however, the exact impact of this deletion on splicing and function is currently unknown. Based on the available evidence, the clinical significance of this variant remains unclear.

GeneDx
Classification: Uncertain significance. Last evaluated: 2024-05-14. Review status: criteria provided, single submitter. Criteria: GeneDx Variant Classification Process June 2021. Collection method: clinical testing. Allele origin: germline. Affected: yes.
Comment: Canonical splice site variant with an unclear effect on protein function; Has not been previously published as pathogenic or benign to our knowledge

All of Us Research Program, National Institutes of Health
Classification: Uncertain significance for Tuberous sclerosis syndrome. Last evaluated: 2023-09-17. Review status: criteria provided, single submitter. Criteria: ACMG Guidelines, 2015. Collection method: clinical testing. Allele origin: germline. Inheritance: Autosomal dominant inheritance. Observed: 2 variant alleles, 2 heterozygotes.
Comment: This variant causes a deletion of 29 nucleotides in intron 41 and part of exon 42 of the TSC2 gene, abolishing the intron 42 splice acceptor site. Splice site prediction tools suggest that this variant may have a significant impact on RNA splicing. This variant is expected to remove all or part of exon 42 but the actual consequence has not been demonstrated by RNA studies and the variant is not expected to undergo nonsense mediated decay. To our knowledge, this variant has not been reported in individuals affected with TSC2-related disorders in the literature. This variant has been identified in 3/281100 chromosomes in the general population by the Genome Aggregation Database (gnomAD). Loss of TSC2 function is a known mechanism of disease. The available evidence is insufficient to determine the role of this variant in disease conclusively. Therefore, this variant is classified as a Variant of Uncertain Significance.

This study involves interpretation of variants in research participants for the purpose of population health screening. Participant phenotype was not available at the time of variant classification. Additional details can be found in publication PMID: 35346344, PMCID: PMC8962531

Literature cited by the submitters: PubMed 17576681 (cited by Labcorp Genetics (formerly Invitae), Labcorp); PubMed 9536098 (cited by Labcorp Genetics (formerly Invitae), Labcorp).

NM_000548.5(TSC2):c.5260-10_5278del

Gene: TSC2 (TSC complex subunit 2; plus strand). Cytogenetic location: 16p13.3.
Variant type: Deletion.
Coding change: c.5260-10_5278del on transcript NM_000548.5 (MANE Select); 10 bases into the intron before coding-DNA position 5260 through coding-DNA position 5278, 29 bases deleted (CTGCCTTCAGATCTGCGAGGAAGCCGCCT).
Molecular consequence: splice acceptor variant.
Genome position (GRCh38, 1-based): chr16:2,088,436-2,088,464, CTGCCTTCAGATCTGCGAGGAAGCCGCCT deleted; deleting any 29 consecutive bases within chr16:2,088,427-2,088,464 gives the same sequence; the c. name uses the placement nearest the transcript's 3' end. VCF-style (leftmost placement, unchanged base first): chr16-2088426-CAAGCCGCCTCTGCCTTCAGATCTGCGAGG-C. GRCh37 (hg19) VCF-style: chr16-2138427-CAAGCCGCCTCTGCCTTCAGATCTGCGAGG-C.
Other names: c.5260-10_5278delCTGCCTTCAGATCTGCGAGGAAGCCGCCT (NM_000548.3); c.5191-10_5209del (NM_001114382.3); c.5131-10_5149del (NM_021055.3); c.5119-10_5137del (NM_001370405.1); c.5062-10_5080del (NM_001363528.2); c.5128-10_5146del (NM_001370404.1); c.5059-10_5077del (NM_001077183.3); c.4951-10_4969del (NM_001318827.2); and 3 more.
Identifiers: ClinVar variation 535945 (VCV000535945.19), dbSNP rs756272343, ClinGen allele CA7828402.